The following is an entry in ClinVar:

ClinVar aggregate classification (germline): Uncertain significance (1 of 4 stars; one submission).

Conditions:
Charcot-Marie-Tooth Neuropathy X. Identifiers: MedGen CN118851.

Submission:

Labcorp Genetics (formerly Invitae), Labcorp
Classification: Uncertain significance for Charcot-Marie-Tooth Neuropathy X. Last evaluated: 2022-07-30. Review status: criteria provided, single submitter. Criteria: Invitae Variant Classification Sherloc (09022015). Collection method: clinical testing. Allele origin: germline.
Comment: In summary, the available evidence is currently insufficient to determine the role of this variant in disease. Therefore, it has been classified as a Variant of Uncertain Significance. Algorithms developed to predict the effect of missense changes on protein structure and function are either unavailable or do not agree on the potential impact of this missense change (SIFT: "Deleterious"; PolyPhen-2: "Benign"; Align-GVGD: "Class C0"). This variant has not been reported in the literature in individuals affected with GJB1-related conditions. This variant is not present in population databases (gnomAD no frequency). This sequence change replaces arginine, which is basic and polar, with leucine, which is neutral and non-polar, at codon 279 of the GJB1 protein (p.Arg279Leu).

NM_000166.6(GJB1):c.836G>T (p.Arg279Leu)

Gene: GJB1 (gap junction protein beta 1; plus strand). Cytogenetic location: Xq13.1.
Variant type: single nucleotide variant.
Coding change: c.836G>T on transcript NM_000166.6 (MANE Select); coding-DNA position 836, G replaced by T.
Protein change: p.Arg279Leu; replaces arginine 279 with leucine.
Molecular consequence: missense variant.
Genome position (GRCh38, 1-based): chrX:71,224,543, G>T. VCF-style: chrX-71224543-G-T. GRCh37 (hg19) VCF-style: chrX-70444393-G-T.
Other names: c.836G>T, p.Arg279Leu (NM_001097642.3); short protein forms R279L.
Identifiers: ClinVar variation 1714405 (VCV001714405.5), dbSNP rs1017639258, ClinGen allele CA413504444.
Genomic context (GRCh38, chrX:71,224,543, plus strand): 5'-TGAAAGACATACTGCGCCGCAGCCCTGGCACCGGGGCTGGGCTGGCTGAAAAGAGCGACC[G>T]CTGCTCGGCCTGCTGATGCCACATACCAGGCAACCTCCCATCCCACCCCCGACCCTGCCC-3'
Protein context (NP_000157.1, residues 269-283): TGAGLAEKSD[Arg279Leu]CSAC